The following is an entry in ClinVar:

ClinVar aggregate classification (germline): Uncertain significance (1 of 4 stars; one submission).

Conditions:
Aortic aneurysm, familial thoracic 7 (AAT7). Also called: AORTIC DISSECTION, FAMILIAL, WITH OR WITHOUT AORTIC ANEURYSM. Identifiers: MedGen C3151077, MONDO:0013418, OMIM 613780.

Allele frequency attached by ClinVar (database versions not stated): gnomAD exomes below 0.00001.
gnomAD v4.1: 1 of 1,613,970 alleles (0.000062%); highest among the groups gnomAD compares: East Asian, 0.0022%; no homozygotes.

Submission:

Labcorp Genetics (formerly Invitae), Labcorp
Classification: Uncertain significance for Aortic aneurysm, familial thoracic 7. Last evaluated: 2022-03-12. Review status: criteria provided, single submitter. Criteria: Invitae Variant Classification Sherloc (09022015). Collection method: clinical testing. Allele origin: germline.
Comment: Advanced modeling of protein sequence and biophysical properties (such as structural, functional, and spatial information, amino acid conservation, physicochemical variation, residue mobility, and thermodynamic stability) performed at Invitae indicates that this missense variant is not expected to disrupt MYLK protein function. This variant has not been reported in the literature in individuals affected with MYLK-related conditions. This variant is not present in population databases (gnomAD no frequency). This sequence change replaces isoleucine, which is neutral and non-polar, with threonine, which is neutral and polar, at codon 1551 of the MYLK protein (p.Ile1551Thr). In summary, the available evidence is currently insufficient to determine the role of this variant in disease. Therefore, it has been classified as a Variant of Uncertain Significance.

NM_053025.4(MYLK):c.4652T>C (p.Ile1551Thr)

Gene: MYLK (myosin light chain kinase; minus strand). Cytogenetic location: 3q21.1.
Variant type: single nucleotide variant.
Coding change: c.4652T>C on transcript NM_053025.4 (MANE Select); coding-DNA position 4652, T replaced by C.
Protein change: p.Ile1551Thr; replaces isoleucine 1551 with threonine.
Molecular consequence: missense variant.
Genome position (GRCh38, 1-based): chr3:123,640,472, A>G on the plus strand (T>C on the coding strand, the complement: MYLK is on the minus strand). VCF-style: chr3-123640472-A-G. GRCh37 (hg19) VCF-style: chr3-123359319-A-G.
Other names: c.4124T>C, p.Ile1375Thr (NM_001321309.2); c.4445T>C, p.Ile1482Thr (NM_053026.4, NM_053028.4); c.4652T>C, p.Ile1551Thr (NM_053027.4); short protein forms I1375T, I1482T, I1551T.
Identifiers: ClinVar variation 2110213 (VCV002110213.4), dbSNP rs2473242222, ClinGen allele CA354226266.